The following is an entry in ClinVar:

NM_177438.3(DICER1):c.4712T>G (p.Leu1571Ter)

Gene: DICER1 (dicer 1, ribonuclease III; minus strand). Cytogenetic location: 14q32.13.
Variant type: single nucleotide variant.
Coding change: c.4712T>G on transcript NM_177438.3 (MANE Select); coding-DNA position 4712, T replaced by G.
Protein change: p.Leu1571Ter; replaces leucine 1571 with a stop codon.
Molecular consequence: nonsense. On other transcripts: non-coding transcript variant (6).
Genome position (GRCh38, 1-based): chr14:95,096,208, A>C on the plus strand (T>G on the coding strand, the complement: DICER1 is on the minus strand). VCF-style: chr14-95096208-A-C. GRCh37 (hg19) VCF-style: chr14-95562545-A-C.
Other names: c.4712T>G, p.Leu1571Ter (NM_001195573.1, NM_001271282.3, NM_001291628.2 and 13 more transcripts); c.4430T>G, p.Leu1477Ter (NM_001395686.1); c.4307T>G, p.Leu1436Ter (NM_001395687.1, NM_001395688.1, NM_001395689.1 and 2 more transcripts); c.4145T>G, p.Leu1382Ter (NM_001395691.1); c.3029T>G, p.Leu1010Ter (NM_001395697.1); short protein forms L1382*, L1477*, L1571*, L1010*, L1436*.
Identifiers: ClinVar variation 2451683 (VCV002451683.2), dbSNP rs2542488809, ClinGen allele CA390867466.

ClinVar aggregate classification (germline): Pathogenic (1 of 4 stars; one submission).

Conditions:
Hereditary cancer-predisposing syndrome. Also called: Neoplastic Syndromes, Hereditary; Tumor predisposition; Hereditary neoplastic syndrome; Hereditary Cancer Syndrome. Identifiers: Orphanet 140162, MedGen C0027672, MeSH D009386, MONDO:0015356.

Submission:

Ambry Genetics
Classification: Pathogenic for Hereditary cancer-predisposing syndrome. Last evaluated: 2022-11-10. Review status: criteria provided, single submitter. Criteria: Ambry Variant Classification Scheme 2023. Collection method: clinical testing. Allele origin: germline.
Comment: The p.L1571* pathogenic mutation (also known as c.4712T>G), located in coding exon 22 of the DICER1 gene, results from a T to G substitution at nucleotide position 4712. This changes the amino acid from a leucine to a stop codon within coding exon 22. This variant is considered to be rare based on population cohorts in the Genome Aggregation Database (gnomAD). This alteration is expected to result in loss of function by premature protein truncation or nonsense-mediated mRNA decay. As such, this alteration is interpreted as a disease-causing mutation.